The following is an entry in ClinVar:

ClinVar aggregate classification (germline): Pathogenic/Likely pathogenic. Review status: criteria provided, multiple submitters, no conflicts (2 of 4 stars). 9 submissions from 9 submitters: Pathogenic (7); Likely pathogenic (1). 1 of the submissions does not count toward it. Last evaluated 2026-01-28.

Conditions:
PCCA-related disorder. Also called: PCCA-related condition.
Propionic acidemia (PROP). Also called: GLYCINEMIA, KETOTIC; HYPERGLYCINEMIA WITH KETOACIDOSIS AND LEUKOPENIA; KETOTIC HYPERGLYCINEMIA. Identifiers: Orphanet 35, MedGen C0268579, MONDO:0011628, OMIM 606054, HP:0003571.

Allele frequency attached by ClinVar (database versions not stated): TOPMed below 0.00001; ExAC 0.00001; gnomAD exomes 0.00001.
gnomAD v4.1: 9 of 1,614,120 alleles (0.00056%); highest among the groups gnomAD compares: East Asian, 0.0022%; no homozygotes.

Submissions (9):

Labcorp Genetics (formerly Invitae), Labcorp
Classification: Pathogenic for Propionic acidemia. Last evaluated: 2026-01-28. Review status: criteria provided, single submitter. Criteria: Invitae Variant Classification Sherloc (09022015). Collection method: clinical testing. Allele origin: germline.
Comment: This sequence change replaces glycine, which is neutral and non-polar, with arginine, which is basic and polar, at codon 668 of the PCCA protein (p.Gly668Arg). This variant is present in population databases (rs771438170, gnomAD 0.01%). This missense change has been observed in individuals with propionic acidemia (PMID: 10329019, 19099776, 27227689, 29978829). ClinVar contains an entry for this variant (Variation ID: 218266). Invitae Evidence Modeling of protein sequence and biophysical properties (such as structural, functional, and spatial information, amino acid conservation, physicochemical variation, residue mobility, and thermodynamic stability) indicates that this missense variant is expected to disrupt PCCA protein function with a positive predictive value of 95%. Experimental studies have shown that this missense change affects PCCA function (PMID: 10329019, 12385775). For these reasons, this variant has been classified as Pathogenic.

Natera, Inc.
Classification: Pathogenic for Propionic acidemia. Last evaluated: 2025-05-02. Review status: criteria provided, single submitter. Criteria: Natera Variant Classification Schema (03/2026). Collection method: clinical testing. Allele origin: germline.
Comment: The c.2002G>A variant in PCCA is a missense variant predicted to cause substitution of glycine to arginine at amino acid 668. This variant is rare in the general population with a frequency below the threshold expected for the associated phenotype(s). This variant has been observed in one or more individuals affected with the associated recessive disease, as either homozygous or compound heterozygous with a second variant (PMID: 33183246, 27227689, 32252659). Additionally, this variant has been observed to segregate in affected family members (PMID: 33183246). Functional studies show that this variant may disrupt protein function (PMID: 12385775). Computational prediction algorithms indicate this variant is likely to affect gene or protein function. Given the available evidence, this variant is classified as Pathogenic.

CeGaT Center for Human Genetics Tuebingen
Classification: Pathogenic. Last evaluated: 2024-02-01. Review status: criteria provided, single submitter. Criteria: CeGaT Center For Human Genetics Tuebingen Variant Classification Criteria Version 2. Collection method: clinical testing. Allele origin: germline. Affected: yes. Observed: 1 variant allele.
Comment: PCCA: PM3:Very Strong, PM2, PS3:Supporting

Baylor Genetics
Classification: Likely pathogenic for Propionic acidemia. Last evaluated: 2023-12-07. Review status: criteria provided, single submitter. Criteria: ACMG Guidelines, 2015. Collection method: clinical testing. Allele origin: unknown.

Pittsburgh Clinical Genomics Laboratory, University of Pittsburgh Medical Center
Classification: Pathogenic for Propionic acidemia. Last evaluated: 2023-03-03. Review status: criteria provided, single submitter. Criteria: ACMG Guidelines, 2015. Collection method: clinical testing. Allele origin: germline. Inheritance: Autosomal recessive inheritance. Affected: yes.
Comment: This sequence variant is a single nucleotide substitution (G>A) at coding position 2002 of the PCCA gene that results in a glycine to arginine amino acid change at residue 668 of the PCCA protein. The Gly668 residue falls in the biotin carboxyl carrier protein domain which is critical to PCCA's role in the biotinylation and catabolism of certain amino acids (PMID: 20725044). This is a previously reported variant (ClinVar) that has been observed in individuals affected by propionic acidemia (PMID: 10329019, 27227689, 29978829). This variant is present in 3 of 251,414 alleles (0.001%) in the gnomAD population database. Multiple bioinformatic tools predict that this glycine to arginine amino acid change would be damaging, and the glycine residue is strongly conserved at this position across the vertebrate species examined. Functiol studies have observed that this variant abolishes the biotinylating activity of the protein resulting from this variant (PMID: 10329019, 12385775). Given this information, we consider this a pathogenic variant. ACMG Criteria: PM2, PP3, PS3

Blueprint Genetics
Classification: Pathogenic for PCCA-related disorders. Last evaluated: 2021-10-22. Review status: criteria provided, single submitter. Criteria: ACMG Guidelines, 2015. Collection method: clinical testing. Allele origin: germline. Affected: yes. Observed: 1 variant allele.

Institute of Medical Genetics and Genomics, Sir Ganga Ram Hospital
Classification: Pathogenic for Propionic Acidemia. Last evaluated: 2014-01-01. Review status: criteria provided, single submitter. Criteria: Gupta et al. (Genet Test Mol Biomarkers 2016). Collection method: research. Allele origin: germline. Affected: yes. Observed: 1 variant allele. Study: ORGANIC ACIDURIAS.
Comment: Missense mutation

Juno Genomics, Hangzhou Juno Genomics, Inc
Classification: Pathogenic for Propionic acidemia. Review status: criteria provided, single submitter. Criteria: ACMG Guidelines, 2015. Collection method: clinical testing. Allele origin: germline.
Comment: Absent from controls (or at extremely low frequency if recessive) in Genome Aggregation Database.;Multiple lines of computational evidence support a deleterious effect on the gene or gene product.;For recessive disorders, detected in trans with a pathogenic variant.

Counsyl
Classification: Likely pathogenic for Propionic acidemia. Last evaluated: 2017-05-31. Review status: no assertion criteria provided. Collection method: clinical testing. Allele origin: unknown. Not counted in ClinVar's aggregate classification.

Literature cited by the submitters: PubMed 10329019 (cited by 3 submitters); PubMed 19099776 (cited by Labcorp Genetics (formerly Invitae), Labcorp and Counsyl); PubMed 27227689 (cited by 4 submitters); PubMed 29978829 (cited by Labcorp Genetics (formerly Invitae), Labcorp and Pittsburgh Clinical Genomics Laboratory, University of Pittsburgh Medical Center); PubMed 12385775 (cited by 4 submitters); PubMed 33183246 (cited by Natera, Inc.); PubMed 32252659 (cited by Natera, Inc.); PubMed 20725044 (cited by Pittsburgh Clinical Genomics Laboratory, University of Pittsburgh Medical Center and Counsyl).

NM_000282.4(PCCA):c.2002G>A (p.Gly668Arg)

Gene: PCCA (propionyl-CoA carboxylase subunit alpha; plus strand). Cytogenetic location: 13q32.3.
Variant type: single nucleotide variant.
Coding change: c.2002G>A on transcript NM_000282.4 (MANE Select); coding-DNA position 2002, G replaced by A.
Protein change: p.Gly668Arg; replaces glycine 668 with arginine.
Molecular consequence: missense variant. On other transcripts: non-coding transcript variant (4), intron variant (2).
Genome position (GRCh38, 1-based): chr13:100,515,529, G>A. VCF-style: chr13-100515529-G-A. GRCh37 (hg19) VCF-style: chr13-101167783-G-A.
Other names: c.1924G>A, p.Gly642Arg (NM_001127692.3); c.1948G>A, p.Gly650Arg (NM_001352605.2); c.1858G>A, p.Gly620Arg (NM_001352606.2); c.1780G>A, p.Gly594Arg (NM_001352608.2); c.1057G>A, p.Gly353Arg (NM_001352610.2); c.1003G>A, p.Gly335Arg (NM_001352611.2); c.913G>A, p.Gly305Arg (NM_001352612.2); c.1900-12146G>A (NM_001178004.2); and 1 more; short protein forms G668R, G594R, G335R, G650R, G353R, G620R, G642R, G305R.
Identifiers: ClinVar variation 218266 (VCV000218266.41), dbSNP rs771438170, ClinGen allele CA7033866.